The following is an entry in ClinVar:

ClinVar aggregate classification (germline): Benign (0 of 4 stars; one submission).

Conditions:
KRT6C-related disorder. Also called: KRT6C-related condition.

Allele frequency attached by ClinVar (database versions not stated): ESP Exome Variant Server 0.07027; ExAC 0.19388.

Submission:

PreventionGenetics, part of Exact Sciences
Classification: Benign for KRT6C-related condition. Last evaluated: 2024-01-03. Review status: no assertion criteria provided. Collection method: clinical testing. Allele origin: germline.
Comment: This variant is classified as benign based on ACMG/AMP sequence variant interpretation guidelines (Richards et al. 2015 PMID: 25741868, with internal and published modifications).

NM_173086.5(KRT6C):c.680G>A (p.Ser227Asn)

Gene: KRT6C (keratin 6C; minus strand). Cytogenetic location: 12q13.13.
Variant type: single nucleotide variant.
Coding change: c.680G>A on transcript NM_173086.5 (MANE Select); coding-DNA position 680, G replaced by A.
Protein change: p.Ser227Asn; replaces serine 227 with asparagine.
Molecular consequence: missense variant.
Genome position (GRCh38, 1-based): chr12:52,472,141, C>T on the plus strand (G>A on the coding strand, the complement: KRT6C is on the minus strand). VCF-style: chr12-52472141-C-T. GRCh37 (hg19) VCF-style: chr12-52865925-C-T.
Other names: short protein forms S227N.
Identifiers: ClinVar variation 3056771 (VCV003056771.2), dbSNP rs17099602, ClinGen allele CA6581486.
Genomic context (GRCh38, chr12:52,472,141, plus strand): 5'-TCCACCAGGTCCTGCATGTTTCTCAGCTCCGAGTCCAGGCGGCCCCGTTCCCCGACGATG[C>T]TGTCCAGCTGCCTCCTGAGGTTGTTGATGTACTGCTCGAACAACGGCTCCAGGTTCTGCC-3'
Protein context (NP_775109.2, residues 217-237): YINNLRRQLD[Ser227Asn]IVGERGRLDS